The following is an entry in ClinVar:

ClinVar aggregate classification (germline): Uncertain significance (1 of 4 stars; one submission).

Conditions:
Renal cell carcinoma. Identifiers: Orphanet 217071, MedGen C0007134, MeSH D002292, MONDO:0005086, HP:0005584.

Submission:

Labcorp Genetics (formerly Invitae), Labcorp
Classification: Uncertain significance for Renal cell carcinoma. Last evaluated: 2025-12-30. Review status: criteria provided, single submitter. Criteria: Invitae Variant Classification Sherloc (09022015). Collection method: clinical testing. Allele origin: germline.
Comment: This sequence change replaces isoleucine, which is neutral and non-polar, with asparagine, which is neutral and polar, at codon 1095 of the MET protein (p.Ile1095Asn). This variant is not present in population databases (gnomAD no frequency). This variant has not been reported in the literature in individuals affected with MET-related conditions. ClinVar contains an entry for this variant (Variation ID: 2704440). Invitae Evidence Modeling of protein sequence and biophysical properties (such as structural, functional, and spatial information, amino acid conservation, physicochemical variation, residue mobility, and thermodynamic stability) indicates that this missense variant is not expected to disrupt MET protein function with a negative predictive value of 80%. In summary, the available evidence is currently insufficient to determine the role of this variant in disease. Therefore, it has been classified as a Variant of Uncertain Significance.

NM_000245.4(MET):c.3230T>A (p.Ile1077Asn)

Gene: MET (MET proto-oncogene, receptor tyrosine kinase; plus strand). Cytogenetic location: 7q31.2.
Variant type: single nucleotide variant.
Coding change: c.3230T>A on transcript NM_000245.4 (MANE Select); coding-DNA position 3230, T replaced by A.
Protein change: p.Ile1077Asn; replaces isoleucine 1077 with asparagine.
Molecular consequence: missense variant.
Genome position (GRCh38, 1-based): chr7:116,775,082, T>A. VCF-style: chr7-116775082-T-A. GRCh37 (hg19) VCF-style: chr7-116415136-T-A.
Other names: c.1940T>A, p.Ile647Asn (NM_001324402.2); c.3284T>A, p.Ile1095Asn (NM_001127500.3); short protein forms I1095N, I647N, I1077N.
Identifiers: ClinVar variation 2704440 (VCV002704440.3), dbSNP rs1177400289, ClinGen allele CA368988734.